The following is an entry in ClinVar:

ClinVar aggregate classification (germline): Uncertain significance (1 of 4 stars; one submission).

Conditions:
Hypoparathyroidism-retardation-dysmorphism syndrome (HRDS). Also called: SANJAD-SAKATI SYNDROME. Identifiers: Orphanet 2323, MedGen C1855840, MONDO:0009426, OMIM 241410.

Submission:

3billion
Classification: Uncertain significance for Hypoparathyroidism-retardation-dysmorphism syndrome. Last evaluated: 2025-12-12. Review status: criteria provided, single submitter. Criteria: ACMG Guidelines, 2015. Collection method: clinical testing. Allele origin: germline. Affected: yes.
Comment: The variant is observed at an extremely low frequency in the gnomAD v4.1.0 dataset (total allele frequency: <0.001%). Predicted Consequence/Location: Inframe deletion located in a nonrepeat region: predicted to change the length of the protein and disrupt normal protein function. Therefore, this variant is classified as VUS according to the recommendation of ACMG/AMP guideline.

NM_003193.5(TBCE):c.332_337del (p.Val111_Thr113delinsAla)

Gene: TBCE (tubulin folding cofactor E; plus strand). Cytogenetic location: 1q42.3.
Variant type: Deletion.
Coding change: c.332_337del on transcript NM_003193.5 (MANE Select); coding-DNA positions 332 to 337, 6 bases deleted (TGGAGA; older notation c.332_337delTGGAGA).
Protein change: p.Val111_Thr113delinsAla.
Molecular consequence: inframe indel. On other transcripts: 5 prime UTR variant (1).
Genome position (GRCh38, 1-based): chr1:235,414,579-235,414,584, TGGAGA deleted. VCF-style (leftmost placement, unchanged base first): chr1-235414578-GTGGAGA-G. GRCh37 (hg19) VCF-style: chr1-235577893-GTGGAGA-G.
Other names: c.332_337del, p.Val111_Thr113delinsAla (NM_001079515.3, NM_001287801.2); c.-64_-59del (NM_001287802.2).
Identifiers: ClinVar variation 4856001 (VCV004856001.1).